The following is an entry in ClinVar:

NM_001040716.2(PC):c.-228+18T>C

Gene: PC (pyruvate carboxylase; minus strand). Cytogenetic location: 11q13.2.
Variant type: single nucleotide variant.
Coding change: c.-228+18T>C on transcript NM_001040716.2 (MANE Select); 18 bases into the intron after 228 bases upstream of the start codon, T replaced by C.
Molecular consequence: intron variant.
Genome position (GRCh38, 1-based): chr11:66,958,304, A>G on the plus strand (T>C on the coding strand, the complement: PC is on the minus strand). VCF-style: chr11-66958304-A-G. GRCh37 (hg19) VCF-style: chr11-66725775-A-G.
Other names: c.-40+18T>C (NM_000920.4).
Identifiers: ClinVar variation 681931 (VCV000681931.1), dbSNP rs1301376384, ClinGen allele CA679452369.

ClinVar aggregate classification (germline): Likely benign (1 of 4 stars; one submission).

Allele frequency attached by ClinVar (database versions not stated): TOPMed 0.00002.

Submission:

GeneDx
Classification: Likely benign. Last evaluated: 2018-05-02. Review status: criteria provided, single submitter. Criteria: GeneDx Variant Classification (06012015). Collection method: clinical testing. Allele origin: germline. Affected: yes.
Comment: This variant is considered likely benign or benign based on one or more of the following criteria: it is a conservative change, it occurs at a poorly conserved position in the protein, it is predicted to be benign by multiple in silico algorithms, and/or has population frequency not consistent with disease.